The following is an entry in ClinVar:

ClinVar aggregate classification (germline): Uncertain significance. Review status: criteria provided, multiple submitters, no conflicts (2 of 4 stars). 10 submissions from 10 submitters: Uncertain significance (8). 2 of the submissions do not count toward it. Last evaluated 2025-12-12.

Conditions:
CFTR-related disorder (CFTR-RD). Also called: CFTR-related condition; CFTR-related disorders. Identifiers: MedGen C5924204, MONDO:7770004.
Hereditary pancreatitis (PCTT). Also called: PRSS1-Related Hereditary Pancreatitis; Hereditary chronic pancreatitis. Identifiers: Orphanet 676, MedGen C0238339, MONDO:0008185, OMIM 167800.
Bronchiectasis with or without elevated sweat chloride 1 (BESC1). Also called: Cystic Fibrosis-Like Syndrome. Identifiers: Orphanet 60033, MedGen C2749757, MONDO:0008887, OMIM 211400.
Congenital bilateral aplasia of vas deferens from CFTR mutation (CBAVD). Identifiers: Orphanet 48, MedGen C0403814, MONDO:0010178, OMIM 277180. Disease mechanism: loss of function.
Cystic fibrosis (CF). Also called: MUCOVISCIDOSIS. Identifiers: Orphanet 586, MedGen C0010674, MONDO:0009061, OMIM 219700. Disease mechanism: loss of function.
Obstructive azoospermia. Identifiers: MedGen C4023106, HP:0011962.

Allele frequency attached by ClinVar (database versions not stated): gnomAD 0.00004 and 0.00010; TOPMed 0.00005; gnomAD exomes 0.00008 and 0.00016; ExAC 0.00020.

Submissions (10):

Women's Health and Genetics/Laboratory Corporation of America, LabCorp
Classification: Uncertain significance. Last evaluated: 2025-12-12. Review status: criteria provided, single submitter. Criteria: LabCorp Variant Classification Summary - May 2015. Collection method: clinical testing. Allele origin: germline.
Comment: Variant summary: CFTR c.2563G>A (p.Val855Ile) results in a conservative amino acid change located in the ABC transporter type 1, transmembrane domain (InterPro) of the encoded protein sequence. Algorithms developed to predict the effect of missense changes on protein structure and function all suggest that this variant is likely to be tolerated. The variant allele was found at a frequency of 0.00016 in 253420 control chromosomes. This frequency is not significantly higher than estimated for disease-causing variants in CFTR, allowing no conclusion about variant significance. c.2563G>A has been reported in the literature in individuals affected with Asthma, Pancreatitis, and Cystic Fibrosis (Keiles_2006, Lazaro_1999, Seia_2009, Atag_2019, Bozdogan_2021, Cruz_2021). A recent study aiming to identify incompletely penetrant variants and interallelic interactions in autosomal recessive disorders reported no enrichment of this variant in the disease population (Miko_2023). These report(s) do not provide unequivocal conclusions about association of the variant with Cystic Fibrosis. To our knowledge, no experimental evidence demonstrating an impact on protein function has been reported. The following publications have been ascertained in the context of this evaluation (PMID: 30938940, 33572515, 33972190, 17003641, 10571949, 15536480, 25735457, 19318035, 34405919). ClinVar contains an entry for this variant (Variation ID: 53513). Based on the evidence outlined above, the variant was classified as uncertain significance.

PreventionGenetics, part of Exact Sciences
Classification: Uncertain significance for CFTR-related condition. Last evaluated: 2025-10-20. Review status: criteria provided, single submitter. Criteria: ACMG Guidelines, 2015. Collection method: clinical testing. Allele origin: germline.
Comment: The CFTR c.2563G>A variant is predicted to result in the amino acid substitution p.Val855Ile. This variant was reported in individuals with CFTR-related disease (see for example: Seia et al 2009. PubMed ID: 19318035; Mikó et al. 2021. PubMed ID: 34405919; Atag et al. 2019. PubMed ID: 30938940). However, this variant is reported in 0.062% of alleles in individuals of South Asian descent in gnomAD, which is more common than expected for recessive disease. Although we suspect that this variant may be pathogenic, at this time, the clinical significance of this variant is uncertain due to the absence of conclusive functional and genetic evidence.

Blueprint Genetics
Classification: Uncertain significance. Last evaluated: 2023-11-09. Review status: criteria provided, single submitter. Criteria: ACMG Guidelines, 2015. Collection method: clinical testing. Allele origin: germline.

Institute of Human Genetics, University of Leipzig Medical Center
Classification: Uncertain significance for Cystic fibrosis. Last evaluated: 2022-09-05. Review status: criteria provided, single submitter. Criteria: ACMG Guidelines, 2015. Collection method: curation. Allele origin: unknown. Affected: yes. Observed: 1 variant allele.
Comment: The variant was classified in the context of a project re-classifying variants in the German Cystic Fibrosis Registry (Muko.e.V.). Criteria applied: PM2_SUP, PM3, BP4

Fulgent Genetics
Classification: Uncertain significance for Hereditary pancreatitis; Bronchiectasis with or without elevated sweat chloride 1; Cystic fibrosis; Congenital bilateral aplasia of vas deferens from CFTR mutation. Last evaluated: 2022-04-15. Review status: criteria provided, single submitter. Criteria: ACMG Guidelines, 2015. Collection method: clinical testing. Allele origin: unknown.

Institute of Reproductive Genetics, University of Münster
Classification: Uncertain significance for Obstructive azoospermia. Last evaluated: 2022-03-16. Review status: criteria provided, single submitter. Criteria: ACMG Guidelines, 2015. Collection method: clinical testing. Allele origin: germline. Affected: yes. Observed: 1 variant allele.

Department of Pathology and Laboratory Medicine, Sinai Health System
Classification: Uncertain significance for cystic fibrosis. Last evaluated: 2022-02-22. Review status: criteria provided, single submitter. Criteria: ACMG Guidelines, 2015. Collection method: research. Allele origin: germline.

Ambry Genetics
Classification: Uncertain significance for Cystic fibrosis. Last evaluated: 2021-01-15. Review status: criteria provided, single submitter. Criteria: Ambry Variant Classification Scheme 2023. Collection method: clinical testing. Allele origin: germline.
Comment: The p.V855I variant (also known as c.2563G>A), located in coding exon 15 of the CFTR gene, results from a G to A substitution at nucleotide position 2563. The valine at codon 855 is replaced by isoleucine, an amino acid with highly similar properties. This variant has been reported in a cohort of individuals with asthma (L&aacute;zaro C et al. Hum. Mutat., 1999;14:510-9), in an individual with a borderline sweat chloride level, nasal polyposis, and malnutrition (Seia M et al. Clin. Biochem., 2009 May;42:611-6), in a cohort of 381 patients with pancreatitis (Keiles S et al. Pancreas, 2006 Oct;33:221-7) and in a cohort of 250 cystic fibrosis patients from Istanbul diagnosed by two positive sweat chloride tests (Atag E et al. Pediatr Pulmonol, 2019 06;54:743-750). Of note, this alteration is commonly reported in conjunction with the p.R74W alteration in CFTR. This amino acid position is poorly conserved in available vertebrate species. In addition, the in silico prediction for this alteration is inconclusive. Based on available evidence to date, the clinical significance of this alteration remains unclear.

Natera, Inc.
Classification: Uncertain significance for CFTR-related disorders. Last evaluated: 2018-05-30. Review status: no assertion criteria provided. Collection method: clinical testing. Allele origin: germline. Not counted in ClinVar's aggregate classification.

ClinVar Staff, National Center for Biotechnology Information (NCBI)
No classification provided. Condition: CFTR-related disorders. Review status: no classification provided. Collection method: literature only. Allele origin: germline. Affected: yes. Not counted in ClinVar's aggregate classification.

Literature cited by the submitters: PubMed 17003641 (cited by Women's Health and Genetics/Laboratory Corporation of America, LabCorp and Ambry Genetics); PubMed 15536480 (cited by Women's Health and Genetics/Laboratory Corporation of America, LabCorp); PubMed 10571949 (cited by Women's Health and Genetics/Laboratory Corporation of America, LabCorp and Ambry Genetics); PubMed 19318035 (cited by 3 submitters); PubMed 25735457 (cited by Women's Health and Genetics/Laboratory Corporation of America, LabCorp); PubMed 30938940 (cited by Women's Health and Genetics/Laboratory Corporation of America, LabCorp and Ambry Genetics); PubMed 33572515 (cited by Women's Health and Genetics/Laboratory Corporation of America, LabCorp); PubMed 33972190 (cited by Women's Health and Genetics/Laboratory Corporation of America, LabCorp); PubMed 34405919 (cited by Women's Health and Genetics/Laboratory Corporation of America, LabCorp).

NM_000492.4(CFTR):c.2563G>A (p.Val855Ile)

Gene: CFTR (CF transmembrane conductance regulator; plus strand). Cytogenetic location: 7q31.2.
Variant type: single nucleotide variant.
Coding change: c.2563G>A on transcript NM_000492.4 (MANE Select); coding-DNA position 2563, G replaced by A.
Protein change: p.Val855Ile; replaces valine 855 with isoleucine.
Molecular consequence: missense variant.
Genome position (GRCh38, 1-based): chr7:117,595,002, G>A. VCF-style: chr7-117595002-G-A. GRCh37 (hg19) VCF-style: chr7-117235056-G-A.
Other names: short protein forms V855I.
Identifiers: ClinVar variation 53513 (VCV000053513.16), dbSNP rs397508397, ClinGen allele CA326848.